The following is an entry in ClinVar:

ClinVar aggregate classification (germline): Likely pathogenic (1 of 4 stars; one submission).

Conditions:
Familial thoracic aortic aneurysm and aortic dissection (TAAD). Also called: Thoracic aortic aneurysms and dissections. Identifiers: Orphanet 91387, MedGen C4707243, MONDO:0019625.

Submission:

Ambry Genetics
Classification: Likely pathogenic for Familial thoracic aortic aneurysm and aortic dissection. Last evaluated: 2018-11-02. Review status: criteria provided, single submitter. Criteria: Ambry Variant Classification Scheme 2023. Collection method: clinical testing. Allele origin: germline.
Comment: The p.T375R variant (also known as c.1124C>G), located in coding exon 6 of the TGFBR1 gene, results from a C to G substitution at nucleotide position 1124. The threonine at codon 375 is replaced by arginine, an amino acid with similar properties. A second de novo case has been reported in the literature, but no details regarding parental genotyping were provided (Yang JH et al. J. Hum. Genet., 2012 Jan;57:52-6). Internal structural analysis indicates that this alteration disrupts the catalytic phosphorylation site of TGFBR1 (Moore MJ et al. J. Biol. Chem., 2003 Mar;278:10613-8; Gerlits O et al. Biochemistry, 2013 May;52:3721-7; Czodrowski P et al. J. Med. Chem., 2015 Jan;58:457-65; internal Ambry data). This amino acid position is highly conserved in available vertebrate species. In addition, this alteration is predicted to be deleterious by in silico analysis. Based on the majority of available evidence to date, this variant is likely to be pathogenic.

Literature cited by the submitters: PubMed 12499371; PubMed 22113417; PubMed 23672593; PubMed 25437144.

NM_004612.4(TGFBR1):c.1124C>G (p.Thr375Arg)

Gene: TGFBR1 (transforming growth factor beta receptor 1; plus strand). Cytogenetic location: 9q22.33.
Variant type: single nucleotide variant.
Coding change: c.1124C>G on transcript NM_004612.4 (MANE Select); coding-DNA position 1124, C replaced by G.
Protein change: p.Thr375Arg; replaces threonine 375 with arginine.
Molecular consequence: missense variant.
Genome position (GRCh38, 1-based): chr9:99,144,882, C>G. VCF-style: chr9-99144882-C-G. GRCh37 (hg19) VCF-style: chr9-101907164-C-G.
Other names: c.893C>G, p.Thr298Arg (NM_001130916.3); c.1136C>G, p.Thr379Arg (NM_001306210.2); short protein forms T298R, T375R, T379R.
Identifiers: ClinVar variation 985512 (VCV000985512.4), dbSNP rs1827743139, ClinGen allele CA374231775.